The following is an entry in ClinVar:

NM_001243133.2(NLRP3):c.1713G>T (p.Leu571Phe)

Gene: NLRP3 (NLR family pyrin domain containing 3; plus strand). Cytogenetic location: 1q44.
Variant type: single nucleotide variant.
Coding change: c.1713G>T on transcript NM_001243133.2 (MANE Select); coding-DNA position 1713, G replaced by T.
Protein change: p.Leu571Phe; replaces leucine 571 with phenylalanine.
Molecular consequence: missense variant.
Genome position (GRCh38, 1-based): chr1:247,425,162, G>T. VCF-style: chr1-247425162-G-T. GRCh37 (hg19) VCF-style: chr1-247588464-G-T.
Other names: c.1713G>T, p.Leu571Phe (NM_001079821.3, NM_001127461.3, NM_001127462.3 and 1 more transcripts); c.1719G>T, p.Leu573Phe (NM_004895.5); short protein forms L573F, L571F.
Identifiers: ClinVar variation 97948 (VCV000097948.10), dbSNP rs180177489, ClinGen allele CA281270.

ClinVar aggregate classification (germline): Uncertain significance. Review status: criteria provided, single submitter (1 of 4 stars). 2 submissions from 2 submitters: Uncertain significance (1). 1 of the submissions does not count toward it. Last evaluated 2019-08-21.

Conditions:
Cryopyrin associated periodic syndrome (CAPS). Identifiers: Orphanet 208650, MedGen C2316212, MONDO:0016168.
Familial cold autoinflammatory syndrome 1 (FCAS1). Also called: Familial cold inflammatory syndrome 1; CRYOPYRIN-ASSOCIATED PERIODIC SYNDROME 1. Identifiers: Orphanet 47045, MedGen C4551895, MONDO:0007349, OMIM 120100.

Submissions (2):

Labcorp Genetics (formerly Invitae), Labcorp
Classification: Uncertain significance for Cryopyrin associated periodic syndrome. Last evaluated: 2019-08-21. Review status: criteria provided, single submitter. Criteria: Invitae Variant Classification Sherloc (09022015). Collection method: clinical testing. Allele origin: germline.
Comment: In summary, the available evidence is currently insufficient to determine the role of this variant in disease. Therefore, it has been classified as a Variant of Uncertain Significance. This variant is not present in population databases (ExAC no frequency). This variant has been observed in an individual affected with cryopyrin associated periodic syndrome (PMID: 25979514). This variant is also known as L571F in the literature. ClinVar contains an entry for this variant (Variation ID: 97948). Algorithms developed to predict the effect of missense changes on protein structure and function are either unavailable or do not agree on the potential impact of this missense change (SIFT: "Deleterious"; PolyPhen-2: "Probably Damaging"; Align-GVGD: "Class C15"). This sequence change replaces leucine with phenylalanine at codon 573 of the NLRP3 protein (p.Leu573Phe). The leucine residue is highly conserved and there is a small physicochemical difference between leucine and phenylalanine.

Unité médicale des maladies autoinflammatoires, CHRU Montpellier
No classification provided. Condition: Familial cold urticaria. Review status: no classification provided. Collection method: not provided. Allele origin: unknown. Not counted in ClinVar's aggregate classification.
Comment: also involved in OMIM 191900 and 607115

Literature cited by the submitters: PubMed 25979514 (cited by Labcorp Genetics (formerly Invitae), Labcorp).